The following is an entry in ClinVar:

ClinVar aggregate classification (germline): Likely benign. Review status: criteria provided, multiple submitters, no conflicts (2 of 4 stars). 3 submissions from 3 submitters: Likely benign (2). 1 of the submissions does not count toward it. Last evaluated 2024-12-07.

Conditions:
TTLL5-related disorder. Also called: TTLL5-related condition.

Allele frequency attached by ClinVar (database versions not stated): gnomAD 0.00001; ExAC 0.00003; TOPMed 0.00003; gnomAD exomes 0.00004; ESP Exome Variant Server 0.00015.
gnomAD v4.1: 57 of 1,613,892 alleles (0.0035%); highest among the groups gnomAD compares: East Asian, 0.036%; no homozygotes.

Submissions (3):

Labcorp Genetics (formerly Invitae), Labcorp
Classification: Likely benign. Last evaluated: 2024-12-07. Review status: criteria provided, single submitter. Criteria: Invitae Variant Classification Sherloc (09022015). Collection method: clinical testing. Allele origin: germline.

Blueprint Genetics
Classification: Likely benign. Last evaluated: 2022-05-03. Review status: criteria provided, single submitter. Criteria: ACMG Guidelines, 2015. Collection method: clinical testing. Allele origin: germline.

PreventionGenetics, part of Exact Sciences
Classification: Likely benign for TTLL5-related condition. Last evaluated: 2019-05-07. Review status: no assertion criteria provided. Collection method: clinical testing. Allele origin: germline. Not counted in ClinVar's aggregate classification.
Comment: This variant is classified as likely benign based on ACMG/AMP sequence variant interpretation guidelines (Richards et al. 2015 PMID: 25741868, with internal and published modifications).

NM_015072.5(TTLL5):c.2088C>T (p.Gly696=)

Gene: TTLL5 (tubulin tyrosine ligase like 5; plus strand). Cytogenetic location: 14q24.3.
Variant type: single nucleotide variant.
Coding change: c.2088C>T on transcript NM_015072.5 (MANE Select); coding-DNA position 2088, C replaced by T.
Protein change: p.Gly696=; no amino-acid change (glycine 696 retained).
Molecular consequence: synonymous variant.
Genome position (GRCh38, 1-based): chr14:75,771,806, C>T. VCF-style: chr14-75771806-C-T. GRCh37 (hg19) VCF-style: chr14-76238149-C-T.
Other names: c.2088C>T (NM_015072.4).
Identifiers: ClinVar variation 1636962 (VCV001636962.11), dbSNP rs149255191, ClinGen allele CA7279594.